The following is an entry in ClinVar:

NM_006904.7(PRKDC):c.2879A>G (p.Gln960Arg)

Gene: PRKDC (protein kinase, DNA-activated, catalytic subunit; minus strand). Cytogenetic location: 8q11.21.
Variant type: single nucleotide variant.
Coding change: c.2879A>G on transcript NM_006904.7 (MANE Select); coding-DNA position 2879, A replaced by G.
Protein change: p.Gln960Arg; replaces glutamine 960 with arginine.
Molecular consequence: missense variant.
Genome position (GRCh38, 1-based): chr8:47,912,465, T>C on the plus strand (A>G on the coding strand, the complement: PRKDC is on the minus strand). VCF-style: chr8-47912465-T-C. GRCh37 (hg19) VCF-style: chr8-48825025-T-C.
Other names: c.2879A>G, p.Gln960Arg (NM_001081640.2); short protein forms Q960R.
Identifiers: ClinVar variation 2915327 (VCV002915327.3), dbSNP rs965704897, ClinGen allele CA176159958.

ClinVar aggregate classification (germline): Uncertain significance. Review status: criteria provided, multiple submitters, no conflicts (2 of 4 stars). 2 submissions from 2 submitters: Uncertain significance (2). Last evaluated 2025-01-08.

Conditions:
Severe combined immunodeficiency due to DNA-PKcs deficiency. Also called: IMMUNODEFICIENCY 26 WITH NEUROLOGIC ABNORMALITIES; Immunodeficiency 26 with or without neurologic abnormalities. Identifiers: Orphanet 317425, MedGen C4014833, MONDO:0014423, OMIM 615966.

Allele frequency attached by ClinVar (database versions not stated): gnomAD 0.00001; gnomAD exomes 0.00001; TOPMed 0.00004.
gnomAD v4.1: 7 of 1,612,000 alleles (0.00043%); highest among the groups gnomAD compares: Admixed American, 0.012%; no homozygotes.

Submissions (2):

Ambry Genetics
Classification: Uncertain significance. Last evaluated: 2025-01-08. Review status: criteria provided, single submitter. Criteria: Ambry Variant Classification Scheme 2023. Collection method: clinical testing. Allele origin: germline.

Labcorp Genetics (formerly Invitae), Labcorp
Classification: Uncertain significance for Severe combined immunodeficiency due to DNA-PKcs deficiency. Last evaluated: 2023-10-05. Review status: criteria provided, single submitter. Criteria: Invitae Variant Classification Sherloc (09022015). Collection method: clinical testing. Allele origin: germline.
Comment: This sequence change replaces glutamine, which is neutral and polar, with arginine, which is basic and polar, at codon 960 of the PRKDC protein (p.Gln960Arg). This variant is present in population databases (no rsID available, gnomAD 0.01%). This variant has not been reported in the literature in individuals affected with PRKDC-related conditions. Advanced modeling of protein sequence and biophysical properties (such as structural, functional, and spatial information, amino acid conservation, physicochemical variation, residue mobility, and thermodynamic stability) performed at Invitae indicates that this missense variant is not expected to disrupt PRKDC protein function. In summary, the available evidence is currently insufficient to determine the role of this variant in disease. Therefore, it has been classified as a Variant of Uncertain Significance.